The following is an entry in ClinVar:

ClinVar aggregate classification (germline): Likely pathogenic (1 of 4 stars; one submission).

Submission:

GeneDx
Classification: Likely pathogenic. Last evaluated: 2025-06-20. Review status: criteria provided, single submitter. Criteria: GeneDx Variant Classification Process June 2021. Collection method: clinical testing. Allele origin: germline. Affected: yes.
Comment: Replaces the glycine in the canonical Gly-X-Y repeat of the triple helical domain and is expected to disrupt normal protein folding and function, which is an established mechanism of disease (HGMD); Not observed at significant frequency in large population cohorts (gnomAD); In silico analysis supports that this missense variant has a deleterious effect on protein structure/function; Has not been previously published as pathogenic or benign to our knowledge

NM_001848.3(COL6A1):c.1715G>A (p.Gly572Glu)

Gene: COL6A1 (collagen type VI alpha 1 chain; plus strand). Cytogenetic location: 21q22.3.
Variant type: single nucleotide variant.
Coding change: c.1715G>A on transcript NM_001848.3 (MANE Select); coding-DNA position 1715, G replaced by A.
Protein change: p.Gly572Glu; replaces glycine 572 with glutamic acid.
Molecular consequence: missense variant.
Genome position (GRCh38, 1-based): chr21:45,999,193, G>A. VCF-style: chr21-45999193-G-A. GRCh37 (hg19) VCF-style: chr21-47419107-G-A.
Other names: short protein forms G572E.
Identifiers: ClinVar variation 3600689 (VCV003600689.2).